The following is an entry in ClinVar:

ClinVar aggregate classification (germline): Conflicting classifications of pathogenicity. Review status: criteria provided, conflicting classifications (1 of 4 stars). 3 submissions from 3 submitters: Uncertain significance (1); Benign (1); Likely benign (1). Last evaluated 2025-08-21.

Conditions:
Inborn genetic diseases. Identifiers: MedGen C0950123, MeSH D030342.
Wiedemann-Steiner syndrome (WDSTS). Also called: Growth deficiency and mental retardation with facial dysmorphism. Identifiers: Orphanet 319182, MedGen C1854630, MONDO:0011518, OMIM 605130.

Allele frequency attached by ClinVar (database versions not stated): gnomAD 0.00002; ExAC 0.00003; gnomAD exomes 0.00003 and 0.00004; TOPMed 0.00003.
gnomAD v4.1: 52 of 1,613,906 alleles (0.0032%); highest among the groups gnomAD compares: Non-Finnish European, 0.0043%; no homozygotes.

Submissions (3):

Labcorp Genetics (formerly Invitae), Labcorp
Classification: Benign. Last evaluated: 2025-08-21. Review status: criteria provided, single submitter. Criteria: Invitae Variant Classification Sherloc (09022015). Collection method: clinical testing. Allele origin: germline.

Ambry Genetics
Classification: Likely benign for Inborn genetic diseases. Last evaluated: 2025-02-06. Review status: criteria provided, single submitter. Criteria: Ambry Variant Classification Scheme 2023. Collection method: clinical testing. Allele origin: germline.

Centre of Medical Genetics, University Hospital Muenster
Classification: Uncertain significance for Wiedemann-Steiner syndrome. Last evaluated: 2022-05-25. Review status: criteria provided, single submitter. Criteria: ACMG Guidelines, 2015. Collection method: clinical testing. Allele origin: unknown. Affected: yes. Observed: 1 variant allele, 1 heterozygote.
Comment: ACMG categories: PM2,BP1

NM_001197104.2(KMT2A):c.6650G>A (p.Arg2217Lys)

Gene: KMT2A (lysine methyltransferase 2A; plus strand). Cytogenetic location: 11q23.3.
Variant type: single nucleotide variant.
Coding change: c.6650G>A on transcript NM_001197104.2 (MANE Select); coding-DNA position 6650, G replaced by A.
Protein change: p.Arg2217Lys; replaces arginine 2217 with lysine.
Molecular consequence: missense variant.
Genome position (GRCh38, 1-based): chr11:118,502,542, G>A. VCF-style: chr11-118502542-G-A. GRCh37 (hg19) VCF-style: chr11-118373257-G-A.
Other names: c.6650G>A (NM_001197104.1); c.6641G>A, p.Arg2214Lys (NM_005933.4); short protein forms R2214K, R2217K.
Identifiers: ClinVar variation 1600461 (VCV001600461.12), dbSNP rs782483583, ClinGen allele CA6304290.
Genomic context (GRCh38, chr11:118,502,542, plus strand): 5'-GTCACAGTACCTCTTCCTTATCACCCCAGCGGTCCAAACTCCGGATAATGTCTCCAATGA[G>A]AACTGGGAATACTTACTCTAGGAATAATGTTTCCTCAGTCTCCACCACCGGGACCGCTAC-3'
Protein context (NP_001184033.1, residues 2207-2227): RSKLRIMSPM[Arg2217Lys]TGNTYSRNNV